The following is an entry in ClinVar:

ClinVar aggregate classification (germline): Uncertain significance. Review status: criteria provided, multiple submitters, no conflicts (2 of 4 stars). 2 submissions from 2 submitters: Uncertain significance (2). Last evaluated 2026-01-02.

Conditions:
Primary ciliary dyskinesia. Also called: Ciliary dyskinesia. Identifiers: Orphanet 244, MedGen C0008780, MONDO:0016575, HP:0012265.

Allele frequency attached by ClinVar (database versions not stated): ExAC 0.00001; gnomAD exomes 0.00001 and 0.00002; gnomAD 0.00002 and 0.00003; TOPMed 0.00002.
gnomAD v4.1: 22 of 1,614,058 alleles (0.0014%); highest among the groups gnomAD compares: Admixed American, 0.01%; no homozygotes.

Submissions (2):

Labcorp Genetics (formerly Invitae), Labcorp
Classification: Uncertain significance for Primary ciliary dyskinesia. Last evaluated: 2026-01-02. Review status: criteria provided, single submitter. Criteria: Invitae Variant Classification Sherloc (09022015). Collection method: clinical testing. Allele origin: germline.
Comment: This sequence change replaces arginine, which is basic and polar, with cysteine, which is neutral and slightly polar, at codon 240 of the RSPH9 protein (p.Arg240Cys). This variant is present in population databases (rs756423549, gnomAD 0.006%). This missense change has been observed in individual(s) with clinical features of primary ciliary dyskinesia (internal data). ClinVar contains an entry for this variant (Variation ID: 1018887). An algorithm developed to predict the effect of missense changes on protein structure and function (PolyPhen-2) suggests that this variant is likely to be disruptive. In summary, the available evidence is currently insufficient to determine the role of this variant in disease. Therefore, it has been classified as a Variant of Uncertain Significance.

Ambry Genetics
Classification: Uncertain significance for Primary ciliary dyskinesia. Last evaluated: 2016-03-25. Review status: criteria provided, single submitter. Criteria: Ambry Variant Classification Scheme 2023. Collection method: clinical testing. Allele origin: germline.
Comment: The p.R240C variant (also known as c.718C>T), located in coding exon 5 of the RSPH9 gene, results from a C to T substitution at nucleotide position 718. The arginine at codon 240 is replaced by cysteine, an amino acid with highly dissimilar properties. This variant was not reported in population based cohorts in the following databases: Database of Single Nucleotide Polymorphisms (dbSNP), NHLBI Exome Sequencing Project (ESP), and 1000 Genomes Project. In the ESP, this variant was not observed in 6503 samples (13006 alleles) with coverage at this position. This amino acid position is highly conserved in available vertebrate species. In addition, this alteration is predicted to be tolerated by in silico analysis. Since supporting evidence is limited at this time, the clinical significance of this variant remains unclear.

NM_152732.5(RSPH9):c.718C>T (p.Arg240Cys)

Gene: RSPH9 (radial spoke head component 9; plus strand). Cytogenetic location: 6p21.1.
Variant type: single nucleotide variant.
Coding change: c.718C>T on transcript NM_152732.5 (MANE Select); coding-DNA position 718, C replaced by T.
Protein change: p.Arg240Cys; replaces arginine 240 with cysteine.
Molecular consequence: missense variant.
Genome position (GRCh38, 1-based): chr6:43,670,836, C>T. VCF-style: chr6-43670836-C-T. GRCh37 (hg19) VCF-style: chr6-43638573-C-T.
Other names: c.770C>T, p.Ala257Val (NM_001193341.2); short protein forms A257V, R240C.
Identifiers: ClinVar variation 1018887 (VCV001018887.9), dbSNP rs756423549, ClinGen allele CA3828397.